The following is an entry in ClinVar:

ClinVar aggregate classification (germline): Uncertain significance (1 of 4 stars; one submission).

Submission:

Ambry Genetics
Classification: Uncertain significance. Last evaluated: 2024-08-22. Review status: criteria provided, single submitter. Criteria: Ambry Variant Classification Scheme 2023. Collection method: clinical testing. Allele origin: germline.
Comment: The p.L394P variant (also known as c.1181T>C), located in coding exon 6 of the GALNT12 gene, results from a T to C substitution at nucleotide position 1181. The leucine at codon 394 is replaced by proline, an amino acid with similar properties. This amino acid position is conserved. In addition, the in silico prediction for this alteration is inconclusive. Based on the available evidence, the clinical significance of this variant remains unclear.

NM_024642.5(GALNT12):c.1181T>C (p.Leu394Pro)

Gene: GALNT12 (polypeptide N-acetylgalactosaminyltransferase 12; plus strand). Cytogenetic location: 9q22.33.
Variant type: single nucleotide variant.
Coding change: c.1181T>C on transcript NM_024642.5 (MANE Select); coding-DNA position 1181, T replaced by C.
Protein change: p.Leu394Pro; replaces leucine 394 with proline.
Molecular consequence: missense variant.
Genome position (GRCh38, 1-based): chr9:98,837,117, T>C. VCF-style: chr9-98837117-T-C. GRCh37 (hg19) VCF-style: chr9-101599399-T-C.
Other names: short protein forms L394P.
Identifiers: ClinVar variation 3518495 (VCV003518495.1).